The following is an entry in ClinVar:

ClinVar aggregate classification (germline): Uncertain significance. Review status: criteria provided, multiple submitters, no conflicts (2 of 4 stars). 3 submissions from 3 submitters: Uncertain significance (3). Last evaluated 2026-02-02.

Conditions:
Hereditary cancer-predisposing syndrome. Also called: Hereditary neoplastic syndrome; Hereditary Cancer Syndrome; Tumor predisposition; Neoplastic Syndromes, Hereditary. Identifiers: Orphanet 140162, MedGen C0027672, MeSH D009386, MONDO:0015356.

Allele frequency attached by ClinVar (database versions not stated): gnomAD exomes below 0.00001; gnomAD 0.00001.

Submissions (3):

Labcorp Genetics (formerly Invitae), Labcorp
Classification: Uncertain significance. Last evaluated: 2026-02-02. Review status: criteria provided, single submitter. Criteria: Invitae Variant Classification Sherloc (09022015). Collection method: clinical testing. Allele origin: germline.
Comment: This sequence change replaces methionine, which is neutral and non-polar, with valine, which is neutral and non-polar, at codon 1523 of the POLE protein (p.Met1523Val). This variant is present in population databases (no rsID available, gnomAD 0.001%). This variant has not been reported in the literature in individuals affected with POLE-related conditions. ClinVar contains an entry for this variant (Variation ID: 439275). Invitae Evidence Modeling of protein sequence and biophysical properties (such as structural, functional, and spatial information, amino acid conservation, physicochemical variation, residue mobility, and thermodynamic stability) indicates that this missense variant is not expected to disrupt POLE protein function with a negative predictive value of 80%. In summary, the available evidence is currently insufficient to determine the role of this variant in disease. Therefore, it has been classified as a Variant of Uncertain Significance.

Ambry Genetics
Classification: Uncertain significance for Hereditary cancer-predisposing syndrome. Last evaluated: 2025-10-21. Review status: criteria provided, single submitter. Criteria: Ambry Variant Classification Scheme 2023. Collection method: clinical testing. Allele origin: germline.
Comment: The p.M1523V variant (also known as c.4567A>G), located in coding exon 36 of the POLE gene, results from an A to G substitution at nucleotide position 4567. The methionine at codon 1523 is replaced by valine, an amino acid with highly similar properties. This amino acid position is conserved. In addition, the in silico prediction for this alteration is inconclusive. Since supporting evidence is limited at this time, the clinical significance of this alteration remains unclear.

Quest Diagnostics Nichols Institute San Juan Capistrano
Classification: Uncertain significance. Last evaluated: 2017-06-16. Review status: criteria provided, single submitter. Criteria: Quest Diagnostics criteria. Collection method: clinical testing. Allele origin: germline.

NM_006231.4(POLE):c.4567A>G (p.Met1523Val)

Gene: POLE (DNA polymerase epsilon, catalytic subunit; minus strand). Cytogenetic location: 12q24.33.
Variant type: single nucleotide variant.
Coding change: c.4567A>G on transcript NM_006231.4 (MANE Select); coding-DNA position 4567, A replaced by G.
Protein change: p.Met1523Val; replaces methionine 1523 with valine.
Molecular consequence: missense variant.
Genome position (GRCh38, 1-based): chr12:132,642,981, T>C on the plus strand (A>G on the coding strand, the complement: POLE is on the minus strand). VCF-style: chr12-132642981-T-C. GRCh37 (hg19) VCF-style: chr12-133219567-T-C.
Other names: c.4567A>G (NM_006231.2); short protein forms M1523V.
Identifiers: ClinVar variation 439275 (VCV000439275.12), dbSNP rs1209633210, ClinGen allele CA387379325.